The following is an entry in ClinVar:

NM_012179.4(FBXO7):c.122+9G>A

Gene: FBXO7 (F-box protein 7; plus strand). Cytogenetic location: 22q12.3.
Variant type: single nucleotide variant.
Coding change: c.122+9G>A on transcript NM_012179.4 (MANE Select); 9 bases into the intron after coding-DNA position 122, G replaced by A.
Molecular consequence: intron variant.
Genome position (GRCh38, 1-based): chr22:32,475,133, G>A. VCF-style: chr22-32475133-G-A. GRCh37 (hg19) VCF-style: chr22-32871120-G-A.
Other names: p.?.
Identifiers: ClinVar variation 341307 (VCV000341307.53), dbSNP rs192327462, ClinGen allele CA10201304.

ClinVar aggregate classification (germline): Conflicting classifications of pathogenicity. Review status: criteria provided, conflicting classifications (1 of 4 stars). 8 submissions from 8 submitters: Uncertain significance (1); Benign (1); Likely benign (4). 2 of the submissions do not count toward it. Last evaluated 2026-06-01.

Conditions:
Parkinsonian-pyramidal syndrome. Also called: PARKINSON DISEASE 15, AUTOSOMAL RECESSIVE EARLY-ONSET; PARKINSON DISEASE 15, AUTOSOMAL RECESSIVE; PALLIDOPYRAMIDAL SYNDROME. Identifiers: Orphanet 171695, MedGen C1850100, MONDO:0009830, OMIM 260300.

Allele frequency attached by ClinVar (database versions not stated): gnomAD 0.00407; gnomAD exomes 0.00572 and 0.00311; 1000 Genomes Project 0.00120; 1000 Genomes Project 30x 0.00156; ExAC 0.00230; ESP Exome Variant Server 0.00324; TOPMed 0.00384.
gnomAD v4.1: 8,418 of 1,540,668 alleles (0.55%); highest among the groups gnomAD compares: Non-Finnish European, 0.69%; 28 homozygotes.

Submissions (8):

CeGaT Center for Human Genetics Tuebingen
Classification: Likely benign. Last evaluated: 2026-06-01. Review status: criteria provided, single submitter. Criteria: CeGaT Center For Human Genetics Tuebingen Variant Classification Criteria Version 2. Collection method: clinical testing. Allele origin: germline. Affected: yes. Observed: 7 variant alleles.
Comment: FBXO7: BS2

Labcorp Genetics (formerly Invitae), Labcorp
Classification: Likely benign for Parkinsonian-pyramidal syndrome. Last evaluated: 2026-01-28. Review status: criteria provided, single submitter. Criteria: Invitae Variant Classification Sherloc (09022015). Collection method: clinical testing. Allele origin: germline.

Blueprint Genetics
Classification: Likely benign. Last evaluated: 2024-11-28. Review status: criteria provided, single submitter. Criteria: ACMG Guidelines, 2015. Collection method: clinical testing. Allele origin: germline.

Mayo Clinic Laboratories, Mayo Clinic
Classification: Benign. Last evaluated: 2024-06-06. Review status: criteria provided, single submitter. Criteria: ACMG Guidelines, 2015. Collection method: clinical testing. Allele origin: germline. Observed: 11 variant alleles.
Comment: BA1, BP4, BP7

Illumina Laboratory Services, Illumina
Classification: Uncertain significance for Parkinsonian-pyramidal syndrome. Last evaluated: 2018-01-13. Review status: criteria provided, single submitter. Criteria: ICSL Variant Classification Criteria 13 December 2019. Collection method: clinical testing. Allele origin: germline.

Eurofins Ntd Llc (ga)
Classification: Likely benign. Last evaluated: 2017-02-03. Review status: criteria provided, single submitter. Criteria: EGL Classification Definitions 2015. Collection method: clinical testing. Allele origin: germline. Observed: 1 variant allele, 1 heterozygote.

Genome Diagnostics Laboratory, Amsterdam University Medical Center
Classification: Likely benign for Parkinsonian-pyramidal syndrome. Last evaluated: 2016-04-19. Review status: no assertion criteria provided. Criteria: ACGS Guidelines, 2013. Collection method: clinical testing. Allele origin: germline. Affected: yes. Study: VKGL Data-share Consensus. Not counted in ClinVar's aggregate classification.

Diagnostic Laboratory, Department of Genetics, University Medical Center Groningen
Classification: Likely benign for Parkinsonian-pyramidal syndrome. Review status: no assertion criteria provided. Collection method: clinical testing. Allele origin: germline. Affected: yes. Study: VKGL Data-share Consensus. Not counted in ClinVar's aggregate classification.